The following is an entry in ClinVar:

NM_001692.4(ATP6V1B1):c.*80C>T

Genes: ATP6V1B1 (ATPase H+ transporting V1 subunit B1; plus strand), LOC129934049 (ATAC-STARR-seq lymphoblastoid silent region 11614; plus strand). Cytogenetic location: 2p13.3.
Variant type: single nucleotide variant.
Coding change: c.*80C>T on transcript NM_001692.4 (MANE Select); 80 bases downstream of the stop codon, C replaced by T.
Molecular consequence: 3 prime UTR variant.
Genome position (GRCh38, 1-based): chr2:70,965,201, C>T. VCF-style: chr2-70965201-C-T. GRCh37 (hg19) VCF-style: chr2-71192331-C-T.
Identifiers: ClinVar variation 336931 (VCV000336931.5), dbSNP rs117574187, ClinGen allele CA10615880.

ClinVar aggregate classification (germline): Benign (1 of 4 stars; one submission).

Conditions:
Renal tubular acidosis with progressive nerve deafness. Also called: RENAL TUBULAR ACIDOSIS, AUTOSOMAL RECESSIVE, WITH PROGRESSIVE NERVE DEAFNESS; RTA WITH PROGRESSIVE NERVE DEAFNESS; Distal Renal Tubular Acidosis with Progressive Sensorineural Deafness; renal tubular acidosis, distal, 2, with progressive sensorineural hearing loss. Identifiers: MedGen C0403554, MONDO:0009968, OMIM 267300.

Allele frequency attached by ClinVar (database versions not stated): gnomAD 0.00056 and 0.00072; TOPMed 0.00123; 1000 Genomes Project 30x 0.00344; 1000 Genomes Project 0.00379.
gnomAD v4.1: 1,053 of 1,578,178 alleles (0.067%); highest among the groups gnomAD compares: East Asian, 2%; 14 homozygotes.

Submission:

Illumina Laboratory Services, Illumina
Classification: Benign for Renal tubular acidosis with progressive nerve deafness. Last evaluated: 2018-01-13. Review status: criteria provided, single submitter. Criteria: ICSL Variant Classification Criteria 13 December 2019. Collection method: clinical testing. Allele origin: germline.
Comment: This variant was observed in the ICSL laboratory as part of a predisposition screen in an ostensibly healthy population. It had not been previously curated by ICSL or reported in the Human Gene Mutation Database (HGMD: prior to June 1st, 2018), and was therefore a candidate for classification through an automated scoring system. Utilizing variant allele frequency, disease prevalence and penetrance estimates, and inheritance mode, an automated score was calculated to assess if this variant is too frequent to cause the disease. Based on the score and internal cut-off values, a variant classified as benign is not then subjected to further curation. The score for this variant resulted in a classification of benign for this disease.